The following is an entry in ClinVar:

ClinVar aggregate classification (germline): Likely benign. Review status: criteria provided, multiple submitters, no conflicts (2 of 4 stars). 7 submissions from 7 submitters: Likely benign (6). 1 of the submissions does not count toward it. Last evaluated 2025-12-05.

Conditions:
GRIN1-related disorder. Also called: GRIN1-related condition.
Inborn genetic diseases. Identifiers: MedGen C0950123, MeSH D030342.
Neurodevelopmental disorder with or without hyperkinetic movements and seizures, autosomal dominant. Also called: Intellectual disability, autosomal dominant 8. Identifiers: MedGen C3280282, MONDO:0013655, OMIM 614254.

Allele frequency attached by ClinVar (database versions not stated): TOPMed 0.00014; ESP Exome Variant Server 0.00015; gnomAD 0.00015 and 0.00016; gnomAD exomes 0.00019 and 0.00042; ExAC 0.00022.
gnomAD v4.1: 614 of 1,610,084 alleles (0.038%); highest among the groups gnomAD compares: Non-Finnish European, 0.05%; no homozygotes.

Submissions (7):

Labcorp Genetics (formerly Invitae), Labcorp
Classification: Likely benign for Neurodevelopmental disorder with or without hyperkinetic movements and seizures, autosomal dominant. Last evaluated: 2025-12-05. Review status: criteria provided, single submitter. Criteria: Invitae Variant Classification Sherloc (09022015). Collection method: clinical testing. Allele origin: germline.

CeGaT Center for Human Genetics Tuebingen
Classification: Likely benign. Last evaluated: 2025-12-01. Review status: criteria provided, single submitter. Criteria: CeGaT Center For Human Genetics Tuebingen Variant Classification Criteria Version 2. Collection method: clinical testing. Allele origin: germline. Affected: yes. Observed: 3 variant alleles.
Comment: GRIN1: BP4, BP7

Blueprint Genetics
Classification: Likely benign. Last evaluated: 2024-09-19. Review status: criteria provided, single submitter. Criteria: ACMG Guidelines, 2015. Collection method: clinical testing. Allele origin: germline.

Athena Diagnostics
Classification: Likely benign. Last evaluated: 2024-04-04. Review status: criteria provided, single submitter. Criteria: Athena Diagnostics Criteria. Collection method: clinical testing. Allele origin: unknown.

GeneDx
Classification: Likely benign. Last evaluated: 2020-10-08. Review status: criteria provided, single submitter. Criteria: GeneDx Variant Classification Process June 2021. Collection method: clinical testing. Allele origin: germline. Affected: yes.

Ambry Genetics
Classification: Likely benign for Inborn genetic diseases. Last evaluated: 2018-01-31. Review status: criteria provided, single submitter. Criteria: Ambry Variant Classification Scheme 2023. Collection method: clinical testing. Allele origin: germline.

PreventionGenetics, part of Exact Sciences
Classification: Likely benign for GRIN1-related condition. Last evaluated: 2019-09-19. Review status: no assertion criteria provided. Collection method: clinical testing. Allele origin: germline. Not counted in ClinVar's aggregate classification.
Comment: This variant is classified as likely benign based on ACMG/AMP sequence variant interpretation guidelines (Richards et al. 2015 PMID: 25741868, with internal and published modifications).

NM_007327.4(GRIN1):c.2097G>C (p.Leu699=)

Gene: GRIN1 (glutamate ionotropic receptor NMDA type subunit 1; plus strand). Cytogenetic location: 9q34.3.
Variant type: single nucleotide variant.
Coding change: c.2097G>C on transcript NM_007327.4 (MANE Select); coding-DNA position 2097, G replaced by C.
Protein change: p.Leu699=; no amino-acid change (leucine 699 retained).
Molecular consequence: synonymous variant.
Genome position (GRCh38, 1-based): chr9:137,162,929, G>C. VCF-style: chr9-137162929-G-C. GRCh37 (hg19) VCF-style: chr9-140057381-G-C.
Other names: c.2097G>C, p.Leu699= (NM_000832.7, NM_021569.4); c.2160G>C, p.Leu720= (NM_001185090.2, NM_001185091.2).
Identifiers: ClinVar variation 386585 (VCV000386585.36), dbSNP rs143865216, ClinGen allele CA5361056.